The following is an entry in ClinVar:

ClinVar aggregate classification (germline): Uncertain significance. Review status: criteria provided, multiple submitters, no conflicts (2 of 4 stars). 2 submissions from 2 submitters: Uncertain significance (2). Last evaluated 2024-09-10.

Conditions:
Inborn genetic diseases. Identifiers: MedGen C0950123, MeSH D030342.
Cohen syndrome (COH1). Also called: Cutis verticis gyrata, retinitis pigmentosa, and sensorineural deafness; PEPPER SYNDROME. Identifiers: Orphanet 193, MedGen C0265223, MONDO:0008999, OMIM 216550.

Allele frequency attached by ClinVar (database versions not stated): ExAC 0.00001; gnomAD exomes 0.00001.
gnomAD v4.1: 12 of 1,612,210 alleles (0.00074%); highest among the groups gnomAD compares: Non-Finnish European, 0.00085%; no homozygotes.

Submissions (2):

Labcorp Genetics (formerly Invitae), Labcorp
Classification: Uncertain significance for Cohen syndrome. Last evaluated: 2024-09-10. Review status: criteria provided, single submitter. Criteria: Invitae Variant Classification Sherloc (09022015). Collection method: clinical testing. Allele origin: germline.
Comment: This sequence change replaces glycine, which is neutral and non-polar, with glutamic acid, which is acidic and polar, at codon 669 of the VPS13B protein (p.Gly669Glu). This variant is present in population databases (rs768668368, gnomAD 0.0009%). This variant has not been reported in the literature in individuals affected with VPS13B-related conditions. ClinVar contains an entry for this variant (Variation ID: 2479643). Invitae Evidence Modeling of protein sequence and biophysical properties (such as structural, functional, and spatial information, amino acid conservation, physicochemical variation, residue mobility, and thermodynamic stability) has been performed for this missense variant. However, the output from this modeling did not meet the statistical confidence thresholds required to predict the impact of this variant on VPS13B protein function. In summary, the available evidence is currently insufficient to determine the role of this variant in disease. Therefore, it has been classified as a Variant of Uncertain Significance.

Ambry Genetics
Classification: Uncertain significance for Inborn genetic diseases. Last evaluated: 2023-01-26. Review status: criteria provided, single submitter. Criteria: Ambry Variant Classification Scheme 2023. Collection method: clinical testing. Allele origin: germline.

NM_152564.5(VPS13B):c.2006G>A (p.Gly669Glu)

Gene: VPS13B (vacuolar protein sorting 13 homolog B; plus strand). Cytogenetic location: 8q22.2.
Variant type: single nucleotide variant.
Coding change: c.2006G>A on transcript NM_152564.5 (MANE Select); coding-DNA position 2006, G replaced by A.
Protein change: p.Gly669Glu; replaces glycine 669 with glutamic acid.
Molecular consequence: missense variant.
Genome position (GRCh38, 1-based): chr8:99,148,003, G>A. VCF-style: chr8-99148003-G-A. GRCh37 (hg19) VCF-style: chr8-100160231-G-A.
Other names: c.2006G>A, p.Gly669Glu (NM_015243.3, NM_017890.5); short protein forms G669E.
Identifiers: ClinVar variation 2479643 (VCV002479643.4), dbSNP rs768668368, ClinGen allele CA4822792.